The following is an entry in ClinVar:

ClinVar aggregate classification (germline): Likely pathogenic (1 of 4 stars; one submission).

Conditions:
Neuromuscular disease caused by qualitative or quantitative defects of dysferlin. Also called: Dysferlinopathy; Qualitative or quantitative defects of dysferlin. Identifiers: Orphanet 207073, MedGen C2931687, MONDO:0016145.

Submission:

Labcorp Genetics (formerly Invitae), Labcorp
Classification: Likely pathogenic for Neuromuscular disease caused by qualitative or quantitative defects of dysferlin. Last evaluated: 2023-09-17. Review status: criteria provided, single submitter. Criteria: Invitae Variant Classification Sherloc (09022015). Collection method: clinical testing. Allele origin: germline.
Comment: This sequence change replaces arginine, which is basic and polar, with serine, which is neutral and polar, at codon 1046 of the DYSF protein (p.Arg1046Ser). This variant is not present in population databases (gnomAD no frequency). This variant has not been reported in the literature in individuals affected with DYSF-related conditions. Advanced modeling of protein sequence and biophysical properties (such as structural, functional, and spatial information, amino acid conservation, physicochemical variation, residue mobility, and thermodynamic stability) performed at Invitae indicates that this missense variant is expected to disrupt DYSF protein function. This variant disrupts the p.Arg1046 amino acid residue in DYSF. Other variant(s) that disrupt this residue have been determined to be pathogenic (PMID: 11468312, 18853459, 25591676, 27647186). This suggests that this residue is clinically significant, and that variants that disrupt this residue are likely to be disease-causing. In summary, the currently available evidence indicates that the variant is pathogenic, but additional data are needed to prove that conclusively. Therefore, this variant has been classified as Likely Pathogenic.

Literature cited by the submitters: PubMed 11468312; PubMed 18853459; PubMed 25591676; PubMed 27647186.

NM_001130987.2(DYSF):c.3190C>A (p.Arg1064Ser)

Gene: DYSF (dysferlin; plus strand). Cytogenetic location: 2p13.2.
Variant type: single nucleotide variant.
Coding change: c.3190C>A on transcript NM_001130987.2 (MANE Select); coding-DNA position 3190, C replaced by A.
Protein change: p.Arg1064Ser; replaces arginine 1064 with serine.
Molecular consequence: missense variant.
Genome position (GRCh38, 1-based): chr2:71,570,703, C>A. VCF-style: chr2-71570703-C-A. GRCh37 (hg19) VCF-style: chr2-71797833-C-A.
Other names: c.3139C>A, p.Arg1047Ser (NM_001130455.2, NM_001130983.2); c.3094C>A, p.Arg1032Ser (NM_001130976.2, NM_001130977.2); c.3136C>A, p.Arg1046Ser (NM_001130978.2, NM_003494.4); c.3229C>A, p.Arg1077Ser (NM_001130979.2); c.3187C>A, p.Arg1063Ser (NM_001130980.2, NM_001130981.2); c.3232C>A, p.Arg1078Ser (NM_001130982.2); c.3097C>A, p.Arg1033Ser (NM_001130984.2, NM_001130986.2); c.3190C>A, p.Arg1064Ser (NM_001130985.2); short protein forms R1032S, R1077S, R1033S, R1063S, R1078S, R1046S, R1047S, R1064S.
Identifiers: ClinVar variation 2766730 (VCV002766730.3), dbSNP rs752810646, ClinGen allele CA347217092.